The following is an entry in ClinVar:

NM_024795.4(TM4SF20):c.227C>T (p.Ala76Val)

Genes: TM4SF20 (transmembrane 4 L six family member 20; minus strand), LOC126806540 (CDK7 strongly-dependent group 2 enhancer GRCh37_chr2:228235290-228236489; plus strand). Cytogenetic location: 2q36.3.
Variant type: single nucleotide variant.
Coding change: c.227C>T on transcript NM_024795.4 (MANE Select); coding-DNA position 227, C replaced by T.
Protein change: p.Ala76Val; replaces alanine 76 with valine.
Molecular consequence: missense variant.
Genome position (GRCh38, 1-based): chr2:227,370,937, G>A on the plus strand (C>T on the coding strand, the complement: TM4SF20 is on the minus strand). VCF-style: chr2-227370937-G-A. GRCh37 (hg19) VCF-style: chr2-228235653-G-A.
Other names: c.227C>T (NM_024795.3); short protein forms A76V.
Identifiers: ClinVar variation 3712170 (VCV003712170.3).

ClinVar aggregate classification (germline): Uncertain significance. Review status: criteria provided, multiple submitters, no conflicts (2 of 4 stars). 2 submissions from 2 submitters: Uncertain significance (2). Last evaluated 2025-04-25.

gnomAD v4.1: 315 of 1,613,838 alleles (0.02%); highest among the groups gnomAD compares: Non-Finnish European, 0.024%; no homozygotes.

Submissions (2):

Ambry Genetics
Classification: Uncertain significance. Last evaluated: 2025-04-25. Review status: criteria provided, single submitter. Criteria: Ambry Variant Classification Scheme 2023. Collection method: clinical testing. Allele origin: germline.

Labcorp Genetics (formerly Invitae), Labcorp
Classification: Uncertain significance. Last evaluated: 2024-02-09. Review status: criteria provided, single submitter. Criteria: Invitae Variant Classification Sherloc (09022015). Collection method: clinical testing. Allele origin: germline.
Comment: This sequence change replaces alanine, which is neutral and non-polar, with valine, which is neutral and non-polar, at codon 76 of the TM4SF20 protein (p.Ala76Val). This variant is present in population databases (rs138005777, gnomAD 0.04%). This variant has not been reported in the literature in individuals affected with TM4SF20-related conditions. An algorithm developed to predict the effect of missense changes on protein structure and function (PolyPhen-2) suggests that this variant is likely to be tolerated. In summary, the available evidence is currently insufficient to determine the role of this variant in disease. Therefore, it has been classified as a Variant of Uncertain Significance.